The following is an entry in ClinVar:

NM_033026.6(PCLO):c.8872C>T (p.Pro2958Ser)

Gene: PCLO (piccolo presynaptic cytomatrix protein; minus strand). Cytogenetic location: 7q21.11.
Variant type: single nucleotide variant.
Coding change: c.8872C>T on transcript NM_033026.6 (MANE Select); coding-DNA position 8872, C replaced by T.
Protein change: p.Pro2958Ser; replaces proline 2958 with serine.
Molecular consequence: missense variant.
Genome position (GRCh38, 1-based): chr7:82,952,081, G>A on the plus strand (C>T on the coding strand, the complement: PCLO is on the minus strand). VCF-style: chr7-82952081-G-A. GRCh37 (hg19) VCF-style: chr7-82581397-G-A.
Other names: c.8872C>T, p.Pro2958Ser (NM_014510.3); short protein forms P2958S.
Identifiers: ClinVar variation 1525021 (VCV001525021.6), dbSNP rs2116431097, ClinGen allele CA367909767.

ClinVar aggregate classification (germline): Uncertain significance (1 of 4 stars; one submission).

Allele frequency attached by ClinVar (database versions not stated): gnomAD exomes below 0.00001.

Submission:

Labcorp Genetics (formerly Invitae), Labcorp
Classification: Uncertain significance. Last evaluated: 2022-03-02. Review status: criteria provided, single submitter. Criteria: Invitae Variant Classification Sherloc (09022015). Collection method: clinical testing. Allele origin: germline.
Comment: In summary, the available evidence is currently insufficient to determine the role of this variant in disease. Therefore, it has been classified as a Variant of Uncertain Significance. Algorithms developed to predict the effect of missense changes on protein structure and function are either unavailable or do not agree on the potential impact of this missense change (SIFT: "Deleterious"; PolyPhen-2: "Not Available"; Align-GVGD: "Class C0"). This variant has not been reported in the literature in individuals affected with PCLO-related conditions. This variant is not present in population databases (gnomAD no frequency). This sequence change replaces proline, which is neutral and non-polar, with serine, which is neutral and polar, at codon 2958 of the PCLO protein (p.Pro2958Ser).